The following is an entry in ClinVar:

ClinVar aggregate classification (germline): Uncertain significance (1 of 4 stars; one submission).

Conditions:
Generalized epilepsy-paroxysmal dyskinesia syndrome (PNKD3). Also called: Paroxysmal nonkinesigenic dyskinesia, 3, with or without generalized epilepsy; Generalized epilepsy and paroxysmal dyskinesia. Identifiers: Orphanet 79137, MedGen C5574945, MONDO:0012276, OMIM 609446.

Submission:

Labcorp Genetics (formerly Invitae), Labcorp
Classification: Uncertain significance for Generalized epilepsy-paroxysmal dyskinesia syndrome. Last evaluated: 2025-02-04. Review status: criteria provided, single submitter. Criteria: Invitae Variant Classification Sherloc (09022015). Collection method: clinical testing. Allele origin: germline.
Comment: This sequence change replaces asparagine, which is neutral and polar, with aspartic acid, which is acidic and polar, at codon 907 of the KCNMA1 protein (p.Asn907Asp). This variant is not present in population databases (gnomAD no frequency). This variant has not been reported in the literature in individuals affected with KCNMA1-related conditions. An algorithm developed to predict the effect of missense changes on protein structure and function (PolyPhen-2) suggests that this variant is likely to be tolerated. In summary, the available evidence is currently insufficient to determine the role of this variant in disease. Therefore, it has been classified as a Variant of Uncertain Significance.

NM_001161352.2(KCNMA1):c.2893A>G (p.Asn965Asp)

Genes: KCNMA1 (potassium calcium-activated channel subfamily M alpha 1; minus strand), KCNMA1-AS1 (KCNMA1 antisense RNA 1; plus strand). Cytogenetic location: 10q22.3.
Variant type: single nucleotide variant.
Coding change: c.2893A>G on transcript NM_001161352.2 (MANE Select); coding-DNA position 2893, A replaced by G.
Protein change: p.Asn965Asp; replaces asparagine 965 with aspartic acid.
Molecular consequence: missense variant.
Genome position (GRCh38, 1-based): chr10:76,944,782, T>C on the plus strand (A>G on the coding strand, the complement: KCNMA1 is on the minus strand). VCF-style: chr10-76944782-T-C. GRCh37 (hg19) VCF-style: chr10-78704540-T-C.
Other names: c.2731A>G, p.Asn911Asp (NM_001014797.3, NM_001322835.2, NM_001322837.2); c.2842A>G, p.Asn948Asp (NM_001161353.2); c.2569A>G, p.Asn857Asp (NM_001271518.2); c.2728A>G, p.Asn910Asp (NM_001271519.2, NM_001322829.2, NM_001322836.2); c.2740A>G, p.Asn914Asp (NM_001322830.2); c.2719A>G, p.Asn907Asp (NM_001322832.2, NM_001410940.1, NM_002247.4); c.2266A>G, p.Asn756Asp (NM_001322838.2); short protein forms N907D, N911D, N948D, N857D, N756D, N965D, N910D, N914D.
Identifiers: ClinVar variation 3673515 (VCV003673515.2).